The following is an entry in ClinVar:

NM_000169.3(GLA):c.973G>A (p.Gly325Ser)

Genes: GLA (galactosidase alpha; minus strand), RPL36A-HNRNPH2 (RPL36A-HNRNPH2 readthrough; plus strand). Cytogenetic location: Xq22.1.
Variant type: single nucleotide variant.
Coding change: c.973G>A on transcript NM_000169.3 (MANE Select); coding-DNA position 973, G replaced by A.
Protein change: p.Gly325Ser; replaces glycine 325 with serine.
Molecular consequence: missense variant. On other transcripts: non-coding transcript variant (3), intron variant (2).
Genome position (GRCh38, 1-based): chrX:101,398,396, C>T on the plus strand (G>A on the coding strand, the complement: GLA is on the minus strand). VCF-style: chrX-101398396-C-T. GRCh37 (hg19) VCF-style: chrX-100653384-C-T.
Other names: c.1096G>A, p.Gly366Ser (NM_001406747.1); c.973G>A, p.Gly325Ser (NM_001406748.1); c.300+2939C>T (NM_001199973.2); c.177+6574C>T (NM_001199974.2); short protein forms G366S.
Identifiers: ClinVar variation 92573 (VCV000092573.17), dbSNP rs398123227, ClinGen allele CA022231.

ClinVar aggregate classification (germline): Conflicting classifications of pathogenicity. Review status: criteria provided, conflicting classifications (1 of 4 stars). 4 submissions from 4 submitters: Likely pathogenic (2); Uncertain significance (2). Last evaluated 2026-09-08.

Conditions:
Fabry disease. Also called: Ceramide trihexosidosis; Fabry's disease; HEREDITARY DYSTOPIC LIPIDOSIS; Angiokeratoma corporis diffusum; ALPHA-GALACTOSIDASE A DEFICIENCY; ANDERSON-FABRY DISEASE. Identifiers: Orphanet 324, MedGen C0002986, MONDO:0010526, OMIM 301500, HP:0001071. Disease mechanism: Fabry disease is due to inactivating mutations in the X-linked GLA gene resulting in deficiency of the enzyme Alpha Galactosidase-A., loss of function.

Submissions (4):

Genomenon, Inc
Classification: Likely pathogenic for Fabry disease. Last evaluated: 2026-09-08. Review status: criteria provided, single submitter. Criteria: Genomenon Sequence Variant Interpretation Standards - Updated. Collection method: curation. Allele origin: germline. Affected: yes.
Comment: GLA p.Gly325Ser (c.973G>A) is a missense variant that changes the amino acid at codon 325 from Glycine to Serine. This variant has been observed in at least one proband with clinical features consistent with Fabry disease (PMID:31649303;32198894;34441839;34905550;39260623;27979989;34011439;30506669;27265676). The variant was found to segregate with disease in at least one affected family (PMID:34441839;27979989). Functional or patient cell studies have been reported (PMID:34441839;34905550;32023956;31649303;23935525;30506669;27657681). It is absent or not present at a significant frequency in gnomAD. In silico models predict that this variant is possibly or probably damaging. In conclusion, we classify GLA p.Gly325Ser (c.973G>A) as a likely pathogenic variant.

Genome-Nilou Lab
Classification: Uncertain significance for Fabry disease. Last evaluated: 2021-07-15. Review status: criteria provided, single submitter. Criteria: ACMG Guidelines, 2015. Collection method: clinical testing. Allele origin: germline. Affected: no.

Labcorp Genetics (formerly Invitae), Labcorp
Classification: Uncertain significance for Fabry disease. Last evaluated: 2020-10-24. Review status: criteria provided, single submitter. Criteria: Invitae Variant Classification Sherloc (09022015). Collection method: clinical testing. Allele origin: germline.
Comment: In summary, the available evidence is currently insufficient to determine the role of this variant in disease. Therefore, it has been classified as a Variant of Uncertain Significance. This sequence change replaces glycine with serine at codon 325 of the GLA protein (p.Gly325Ser). The glycine residue is highly conserved and there is a small physicochemical difference between glycine and serine. This variant is not present in population databases (ExAC no frequency). This variant has been observed in individual(s) with Fabry disease (PMID: 23935525). ClinVar contains an entry for this variant (Variation ID: 92573). Experimental studies have shown that this variant affects GLA protein function (PMID: 23935525). This variant disrupts the p.Gly325 amino acid residue in GLA. Other variant(s) that disrupt this residue have been determined to be pathogenic (PMID: 15713906, 15776423, 21598360). This suggests that this residue is clinically significant, and that variants that disrupt this residue are likely to be disease-causing.

Eurofins Ntd Llc (ga)
Classification: Likely pathogenic. Last evaluated: 2015-04-14. Review status: criteria provided, single submitter. Criteria: EGL Classification Definitions 2015. Collection method: clinical testing. Allele origin: germline. Observed: 2 variant alleles, 2 heterozygotes.

Literature cited by the submitters: PubMed 31649303 (cited by Genomenon, Inc); PubMed 32198894 (cited by Genomenon, Inc); PubMed 34441839 (cited by Genomenon, Inc); PubMed 34905550 (cited by Genomenon, Inc); PubMed 39260623 (cited by Genomenon, Inc); PubMed 27979989 (cited by Genomenon, Inc); PubMed 34011439 (cited by Genomenon, Inc); PubMed 30506669 (cited by Genomenon, Inc); PubMed 27265676 (cited by Genomenon, Inc); PubMed 32023956 (cited by Genomenon, Inc); PubMed 23935525 (cited by Genomenon, Inc and Labcorp Genetics (formerly Invitae), Labcorp); PubMed 27657681 (cited by Genomenon, Inc); PubMed 15713906 (cited by Labcorp Genetics (formerly Invitae), Labcorp); PubMed 15776423 (cited by Labcorp Genetics (formerly Invitae), Labcorp); PubMed 21598360 (cited by Labcorp Genetics (formerly Invitae), Labcorp).